The following is an entry in ClinVar:

NM_002816.5(PSMD12):c.76C>T (p.Gln26Ter)

Genes: PSMD12 (proteasome 26S subunit, non-ATPase 12; minus strand), LOC130061479 (ATAC-STARR-seq lymphoblastoid active region 12621; plus strand). Cytogenetic location: 17q24.2.
Variant type: single nucleotide variant.
Coding change: c.76C>T on transcript NM_002816.5 (MANE Select); coding-DNA position 76, C replaced by T.
Protein change: p.Gln26Ter; replaces glutamine 26 with a stop codon.
Molecular consequence: nonsense. On other transcripts: 5 prime UTR variant (1).
Genome position (GRCh38, 1-based): chr17:67,366,444, G>A on the plus strand (C>T on the coding strand, the complement: PSMD12 is on the minus strand). VCF-style: chr17-67366444-G-A. GRCh37 (hg19) VCF-style: chr17-65362560-G-A.
Other names: c.-386C>T (NM_001316341.2); c.76C>T, p.Gln26Ter (NM_174871.4); short protein forms Q26*.
Identifiers: ClinVar variation 2576039 (VCV002576039.1), dbSNP rs2509701387, ClinGen allele CA400806160.

ClinVar aggregate classification (germline): Uncertain significance (1 of 4 stars; one submission).

Submission:

Institute for Clinical Genetics, University Hospital TU Dresden, University Hospital TU Dresden
Classification: Uncertain significance. Last evaluated: 2022-07-27. Review status: criteria provided, single submitter. Criteria: ACMG Guidelines, 2015. Collection method: clinical testing. Allele origin: paternal.
Comment: PVS1